The following is an entry in ClinVar:

NM_001379286.1(ZNF423):c.2665G>A (p.Ala889Thr)

Gene: ZNF423 (zinc finger protein 423; minus strand). Cytogenetic location: 16q12.1.
Variant type: single nucleotide variant.
Coding change: c.2665G>A on transcript NM_001379286.1 (MANE Select); coding-DNA position 2665, G replaced by A.
Protein change: p.Ala889Thr; replaces alanine 889 with threonine.
Molecular consequence: missense variant.
Genome position (GRCh38, 1-based): chr16:49,636,511, C>T on the plus strand (G>A on the coding strand, the complement: ZNF423 is on the minus strand). VCF-style: chr16-49636511-C-T. GRCh37 (hg19) VCF-style: chr16-49670422-C-T.
Other names: c.2461G>A, p.Ala821Thr (NM_001271620.2); c.2290G>A, p.Ala764Thr (NM_001330533.2); c.2641G>A, p.Ala881Thr (NM_015069.5); short protein forms A821T, A764T, A881T, A889T.
Identifiers: ClinVar variation 835636 (VCV000835636.5), dbSNP rs373166241, ClinGen allele CA8046457.

ClinVar aggregate classification (germline): Conflicting classifications of pathogenicity. Review status: criteria provided, conflicting classifications (1 of 4 stars). 2 submissions from 2 submitters: Uncertain significance (1); Likely benign (1). Last evaluated 2024-07-16.

Conditions:
Nephronophthisis 14 (NPHP14). Identifiers: Orphanet 2318, MedGen C3539071, MONDO:0013916, OMIM 614844.

Allele frequency attached by ClinVar (database versions not stated): ExAC 0.00008; ESP Exome Variant Server 0.00008; TOPMed 0.00008; gnomAD 0.00009; gnomAD exomes 0.00010.
gnomAD v4.1: 134 of 1,613,782 alleles (0.0083%); highest among the groups gnomAD compares: Admixed American, 0.04%; no homozygotes.

Submissions (2):

Blueprint Genetics
Classification: Likely benign. Last evaluated: 2024-07-16. Review status: criteria provided, single submitter. Criteria: ACMG Guidelines, 2015. Collection method: clinical testing. Allele origin: germline.

Labcorp Genetics (formerly Invitae), Labcorp
Classification: Uncertain significance for Nephronophthisis 14. Last evaluated: 2022-10-25. Review status: criteria provided, single submitter. Criteria: Invitae Variant Classification Sherloc (09022015). Collection method: clinical testing. Allele origin: germline.
Comment: This sequence change replaces alanine, which is neutral and non-polar, with threonine, which is neutral and polar, at codon 881 of the ZNF423 protein (p.Ala881Thr). This variant is present in population databases (rs373166241, gnomAD 0.04%). This variant has not been reported in the literature in individuals affected with ZNF423-related conditions. ClinVar contains an entry for this variant (Variation ID: 835636). Advanced modeling of protein sequence and biophysical properties (such as structural, functional, and spatial information, amino acid conservation, physicochemical variation, residue mobility, and thermodynamic stability) performed at Invitae indicates that this missense variant is not expected to disrupt ZNF423 protein function. In summary, the available evidence is currently insufficient to determine the role of this variant in disease. Therefore, it has been classified as a Variant of Uncertain Significance.